The following is an entry in ClinVar:

NM_000157.4(GBA1):c.1289_1290dup (p.Asn431fs)

Genes: GBA1 (glucosylceramidase beta 1; minus strand), LOC106627981 (GBA recombination region; plus strand). Cytogenetic location: 1q22.
Variant type: Duplication.
Coding change: c.1289_1290dup on transcript NM_000157.4 (MANE Select); coding-DNA positions 1289 to 1290, 2 bases duplicated (CC; older notation c.1289_1290dupCC).
Protein change: p.Asn431fs; shifts the reading frame from asparagine 431.
Molecular consequence: frameshift variant.
Genome position (GRCh38, 1-based): chr1:155,235,779-155,235,780, GG duplicated on the plus strand (CC on the coding strand, the reverse complement: GBA1 is on the minus strand); duplicating any 2 consecutive bases within chr1:155,235,779-155,235,781 gives the same sequence; the c. name uses the placement nearest the transcript's 3' end. VCF-style (leftmost placement, unchanged base first): chr1-155235778-T-TGG. GRCh37 (hg19) VCF-style: chr1-155205569-T-TGG.
Other names: c.1289_1290dup, p.Asn431fs (NM_001005741.3, NM_001005742.3); c.1028_1029dup, p.Asn344fs (NM_001171811.2); c.1142_1143dup, p.Asn382fs (NM_001171812.2); short protein forms N344fs, N382fs, N431fs.
Identifiers: ClinVar variation 4817708 (VCV004817708.1).

ClinVar aggregate classification (germline): Likely pathogenic (1 of 4 stars; one submission).

Conditions:
Gaucher disease. Also called: Acute cerebral Gaucher disease; Cerebroside lipidosis syndrome; Gaucher splenomegaly; Sphingolipidosis 1; Glucocerebrosidosis; Glucosylceramidase deficiency. Identifiers: Orphanet 355, MedGen C0017205, MONDO:0018150.

Submission:

Natera, Inc.
Classification: Likely pathogenic for Gaucher disease. Last evaluated: 2024-05-15. Review status: criteria provided, single submitter. Criteria: Natera Variant Classification Schema (03/2026). Collection method: clinical testing. Allele origin: germline.
Comment: The c.1289_1290dup variant in GBA1 is a frameshift variant predicted to shift the reading frame beginning at codon 431 and leads to a stop codon 14 codons downstream. This variant is expected to result in nonsense mediated decay, truncation, or a dysfunctional protein product. This variant is rare in the general population with a frequency below the threshold expected for the associated phenotype(s). Given the available evidence, this variant is classified as Likely Pathogenic.